The following is an entry in ClinVar:

ClinVar aggregate classification (germline): Benign/Likely benign. Review status: criteria provided, multiple submitters, no conflicts (2 of 4 stars). 9 submissions from 8 submitters: Benign (5); Likely benign (4). Last evaluated 2026-01-28.

Conditions:
Charcot-Marie-Tooth disease. Also called: Charcot-Marie-Tooth Neuropathy; Charcot-Marie-Tooth Hereditary Neuropathy. Identifiers: Orphanet 166, MedGen C0007959, MONDO:0015626.
Charcot-Marie-Tooth disease type 4C (CMT4C). Also called: Charcot-Marie-Tooth Neuropathy Type 4C (CMT4C); CHARCOT-MARIE-TOOTH DISEASE, DEMYELINATING, AUTOSOMAL RECESSIVE, TYPE 4C; SH3TC2-Related Hereditary Motor and Sensory Neuropathy; CMT 4C; CHARCOT-MARIE-TOOTH DISEASE, DEMYELINATING, TYPE 4C. Identifiers: Orphanet 99949, MedGen C1866636, MONDO:0011113, OMIM 601596.
Susceptibility to mononeuropathy of the median nerve, mild. Also called: CARPAL TUNNEL SYNDROME, SUSCEPTIBILITY TO. Identifiers: MedGen C3150596, MONDO:0013237, OMIM 613353.
Inborn genetic diseases. Identifiers: MedGen C0950123, MeSH D030342.
Charcot-Marie-Tooth disease type 4. Also called: Charcot-Marie-Tooth, Type 4; Charcot-Marie-Tooth disease, type IV. Identifiers: Orphanet 64749, MedGen C4082197, MONDO:0018995.

Allele frequency attached by ClinVar (database versions not stated): ESP Exome Variant Server 0.00231; gnomAD 0.00290; 1000 Genomes Project 0.00319; TOPMed 0.00326; 1000 Genomes Project 30x 0.00406.
gnomAD v4.1: 839 of 1,614,168 alleles (0.052%); highest among the groups gnomAD compares: African/African-American, 0.98%; 8 homozygotes.

Submissions (9):

Labcorp Genetics (formerly Invitae), Labcorp
Classification: Benign for Charcot-Marie-Tooth disease type 4. Last evaluated: 2026-01-28. Review status: criteria provided, single submitter. Criteria: Invitae Variant Classification Sherloc (09022015). Collection method: clinical testing. Allele origin: germline.

Blueprint Genetics
Classification: Likely benign. Last evaluated: 2024-11-25. Review status: criteria provided, single submitter. Criteria: ACMG Guidelines, 2015. Collection method: clinical testing. Allele origin: germline.

ARUP Laboratories, Molecular Genetics and Genomics, ARUP Laboratories
Classification: Benign. Last evaluated: 2020-12-12. Review status: criteria provided, single submitter. Criteria: ARUP Molecular Germline Variant Investigation Process 2021. Collection method: clinical testing. Allele origin: germline.

Ambry Genetics
Classification: Likely benign for Inborn genetic diseases. Last evaluated: 2019-07-11. Review status: criteria provided, single submitter. Criteria: Ambry Variant Classification Scheme 2023. Collection method: clinical testing. Allele origin: germline.

GeneDx
Classification: Benign. Last evaluated: 2019-03-27. Review status: criteria provided, single submitter. Criteria: GeneDx Variant Classification Process June 2021. Collection method: clinical testing. Allele origin: germline. Affected: yes.

Illumina Laboratory Services, Illumina
Classification: Benign for Susceptibility to mononeuropathy of the median nerve, mild. Last evaluated: 2018-01-12. Review status: criteria provided, single submitter. Criteria: ICSL Variant Classification Criteria 13 December 2019. Collection method: clinical testing. Allele origin: germline.
Comment: This variant was observed in the ICSL laboratory as part of a predisposition screen in an ostensibly healthy population. It had not been previously curated by ICSL or reported in the Human Gene Mutation Database (HGMD: prior to June 1st, 2018), and was therefore a candidate for classification through an automated scoring system. Utilizing variant allele frequency, disease prevalence and penetrance estimates, and inheritance mode, an automated score was calculated to assess if this variant is too frequent to cause the disease. Based on the score and internal cut-off values, a variant classified as benign is not then subjected to further curation. The score for this variant resulted in a classification of benign for this disease.

Illumina Laboratory Services, Illumina
Classification: Benign for Charcot-Marie-Tooth disease type 4C. Last evaluated: 2018-01-12. Review status: criteria provided, single submitter. Criteria: ICSL Variant Classification Criteria 13 December 2019. Collection method: clinical testing. Allele origin: germline.
Comment: the same text as in the submission from Illumina Laboratory Services, Illumina above.

Breakthrough Genomics
Classification: Likely benign. Review status: criteria provided, single submitter. Criteria: ACMG Guidelines, 2015. Collection method: not provided. Allele origin: germline. Inheritance: Autosomal recessive inheritance. Affected: yes.

Molecular Genetics Laboratory, London Health Sciences Centre
Classification: Likely benign for Charcot-Marie-Tooth disease. Review status: criteria provided, single submitter. Criteria: ACMG Guidelines, 2015. Collection method: clinical testing. Allele origin: germline. Affected: yes.

NM_024577.4(SH3TC2):c.558C>T (p.Ser186=)

Gene: SH3TC2 (SH3 domain and tetratricopeptide repeats 2; minus strand). Cytogenetic location: 5q32.
Variant type: single nucleotide variant.
Coding change: c.558C>T on transcript NM_024577.4 (MANE Select); coding-DNA position 558, C replaced by T.
Protein change: p.Ser186=; no amino-acid change (serine 186 retained).
Molecular consequence: synonymous variant.
Genome position (GRCh38, 1-based): chr5:149,041,589, G>A on the plus strand (C>T on the coding strand, the complement: SH3TC2 is on the minus strand). VCF-style: chr5-149041589-G-A. GRCh37 (hg19) VCF-style: chr5-148421152-G-A.
Identifiers: ClinVar variation 351917 (VCV000351917.26), dbSNP rs141289653, ClinGen allele CA3499463.
Genomic context (GRCh38, chr5:149,041,589, plus strand): 5'-GATTAACTCATTCTTGCAAAGTGTCAAGCATTCCCCTTCCTTCTCGGCTGGTGGAGTCAC[G>A]GAGCACAGGGCTCTGCAGAAGAAGTGGCCTGTGGATAATGAGAAAAGCAATGGCTTTCTA-3'
Protein context (NP_078853.2, residues 176-196): EGHFFCRALC[Ser186=]VTPPAEKEGE